The following is an entry in ClinVar:

ClinVar aggregate classification (germline): Likely benign (1 of 4 stars; one submission).

Allele frequency attached by ClinVar (database versions not stated): gnomAD exomes below 0.00001; TOPMed 0.00001.
gnomAD v4.1: 1 of 1,611,914 alleles (0.000062%); highest among the groups gnomAD compares: Non-Finnish European, 0.000085%; no homozygotes.

Submission:

GeneDx
Classification: Likely benign. Last evaluated: 2017-03-14. Review status: criteria provided, single submitter. Criteria: GeneDx Variant Classification (06012015). Collection method: clinical testing. Allele origin: germline. Affected: yes.
Comment: This variant is considered likely benign or benign based on one or more of the following criteria: it is a conservative change, it occurs at a poorly conserved position in the protein, it is predicted to be benign by multiple in silico algorithms, and/or has population frequency not consistent with disease.

NM_007327.4(GRIN1):c.1461G>A (p.Gln487=)

Gene: GRIN1 (glutamate ionotropic receptor NMDA type subunit 1; plus strand). Cytogenetic location: 9q34.3.
Variant type: single nucleotide variant.
Coding change: c.1461G>A on transcript NM_007327.4 (MANE Select); coding-DNA position 1461, G replaced by A.
Protein change: p.Gln487=; no amino-acid change (glutamine 487 retained).
Molecular consequence: synonymous variant.
Genome position (GRCh38, 1-based): chr9:137,161,410, G>A. VCF-style: chr9-137161410-G-A. GRCh37 (hg19) VCF-style: chr9-140055862-G-A.
Other names: c.1461G>A, p.Gln487= (NM_000832.7, NM_021569.4); c.1524G>A, p.Gln508= (NM_001185090.2, NM_001185091.2).
Identifiers: ClinVar variation 517782 (VCV000517782.1), dbSNP rs1554769757, ClinGen allele CA467776394.
Genomic context (GRCh38, chr9:137,161,410, plus strand): 5'-ACGGACCATGAACTTCACCTACGAGGTGCACCTGGTGGCAGATGGCAAGTTCGGCACACA[G>A]GAGCGGGTAGGCTGGACGGCGGGGGTGGGGACCAGCGTGAGAGGGGCCTGCAGGCGCGGT-3'
Protein context (NP_015566.1, residues 477-497): HLVADGKFGT[Gln487=]ERVNNSNKKE